The following is an entry in ClinVar:

NC_000012.12:g.121641491G>A

Gene: ORAI1 (ORAI calcium release-activated calcium modulator 1; plus strand). Cytogenetic location: 12q24.31.
Variant type: single nucleotide variant.
Genome position: GRCh38 VCF-style: chr12-121641491-G-A. GRCh37 (hg19) VCF-style: chr12-122079397-G-A.
Other names: c.754G>A, p.Val252Ile (NM_032790.4); short protein forms V252I.
Identifiers: ClinVar variation 1470930 (VCV001470930.6), dbSNP rs1485414099, ClinGen allele CA386984385.
Genomic context (GRCh38, chr12:121,641,491, plus strand): 5'-GGCCAGGCAGCTGCCATCGCCTCGACCACCATCATGGTGCCCTTCGGCCTGATCTTTATC[G>A]TCTTCGCCGTCCACTTCTACCGCTCACTGGTTAGCCATAAGACTGACCGACAGTTCCAGG-3'

ClinVar aggregate classification (germline): Uncertain significance (1 of 4 stars; one submission).

Conditions:
Combined immunodeficiency due to ORAI1 deficiency. Also called: IMMUNODEFICIENCY 9. Identifiers: Orphanet 169090, Orphanet 317428, MedGen C2748568, MONDO:0013007, OMIM 612782.
Myopathy, tubular aggregate, 2 (TAM2). Identifiers: MedGen C4014557, MONDO:0014383, OMIM 615883.

Allele frequency attached by ClinVar (database versions not stated): gnomAD exomes below 0.00001; gnomAD 0.00001 and 0.00002; TOPMed 0.00001.

Submission:

Labcorp Genetics (formerly Invitae), Labcorp
Classification: Uncertain significance for Myopathy, tubular aggregate, 2; Combined immunodeficiency due to ORAI1 deficiency. Last evaluated: 2024-11-12. Review status: criteria provided, single submitter. Criteria: Invitae Variant Classification Sherloc (09022015). Collection method: clinical testing. Allele origin: germline.
Comment: This sequence change replaces valine, which is neutral and non-polar, with isoleucine, which is neutral and non-polar, at codon 252 of the ORAI1 protein (p.Val252Ile). This variant is present in population databases (no rsID available, gnomAD 0.008%). This variant has not been reported in the literature in individuals affected with ORAI1-related conditions. ClinVar contains an entry for this variant (Variation ID: 1470930). Experimental studies and prediction algorithms are not available or were not evaluated, and the functional significance of this variant is currently unknown. In summary, the available evidence is currently insufficient to determine the role of this variant in disease. Therefore, it has been classified as a Variant of Uncertain Significance.